The following is an entry in ClinVar:

ClinVar aggregate classification (germline): Likely pathogenic (1 of 4 stars; one submission).

Conditions:
Bloom syndrome (BLM). Also called: Bloom-Torre-Machacek syndrome. Identifiers: Orphanet 125, MedGen C0005859, MONDO:0008876, OMIM 210900.

Submission:

Labcorp Genetics (formerly Invitae), Labcorp
Classification: Likely pathogenic for Bloom syndrome. Last evaluated: 2022-10-03. Review status: criteria provided, single submitter. Criteria: Invitae Variant Classification Sherloc (09022015). Collection method: clinical testing. Allele origin: germline.
Comment: This variant is not present in population databases (gnomAD no frequency). This sequence change creates a premature translational stop signal (p.Met1339Aspfs*8) in the BLM gene. While this is not anticipated to result in nonsense mediated decay, it is expected to disrupt the last 79 amino acid(s) of the BLM protein. This variant has not been reported in the literature in individuals affected with BLM-related conditions. In summary, the currently available evidence indicates that the variant is pathogenic, but additional data are needed to prove that conclusively. Therefore, this variant has been classified as Likely Pathogenic. This variant disrupts the nuclear localization signal (NLS) and the topoisomerase I (TOP1) domain of BLM protein, which are critical for BLM localization to the nucleus and TOP1-mediated RNA:DNA unwinding (PMID: 27657136, 9388480, 10569803, 27657136). While functional studies have not been performed to directly test the effect of this variant on BLM protein function, this suggests that disruption of this region of the protein is causative of disease.

Literature cited by the submitters: PubMed 27657136; PubMed 9388480; PubMed 10569803.

NM_000057.4(BLM):c.4013dup (p.Met1339fs)

Gene: BLM (BLM RecQ like helicase; plus strand). Cytogenetic location: 15q26.1.
Variant type: Duplication.
Coding change: c.4013dup on transcript NM_000057.4 (MANE Select); coding-DNA position 4013, one base duplicated (A; older notation c.4013dupA).
Protein change: p.Met1339fs; shifts the reading frame from methionine 1339.
Molecular consequence: frameshift variant.
Genome position (GRCh38, 1-based): chr15:90,811,343, A duplicated; the last of 5 consecutive A bases (chr15:90,811,339-90,811,343); duplicating any one gives the same sequence. VCF-style (leftmost placement, unchanged base first): chr15-90811338-G-GA. GRCh37 (hg19) VCF-style: chr15-91354568-G-GA.
Other names: c.4013dup, p.Met1339fs (NM_001287246.2); c.3620dup, p.Met1208fs (NM_001287247.2); c.2888dup, p.Met964fs (NM_001287248.2); short protein forms M1339fs, M1208fs, M964fs.
Identifiers: ClinVar variation 2033919 (VCV002033919.4), dbSNP rs2151199906, ClinGen allele CA2580090285.